The following is an entry in ClinVar:

ClinVar aggregate classification (germline): Likely benign (1 of 4 stars; one submission).

Allele frequency attached by ClinVar (database versions not stated): ExAC 0.00006; gnomAD 0.00006 and 0.00008; gnomAD exomes 0.00006 and 0.00010; ESP Exome Variant Server 0.00008; TOPMed 0.00011.
gnomAD v4.1: 151 of 1,602,226 alleles (0.0094%); highest among the groups gnomAD compares: Non-Finnish European, 0.011%; no homozygotes.

Submission:

CeGaT Center for Human Genetics Tuebingen
Classification: Likely benign. Last evaluated: 2022-07-01. Review status: criteria provided, single submitter. Criteria: CeGaT Center For Human Genetics Tuebingen Variant Classification Criteria Version 2. Collection method: clinical testing. Allele origin: germline. Affected: yes. Observed: 1 variant allele.
Comment: ABCC1: BP4

NM_004996.4(ABCC1):c.1988+7C>T

Gene: ABCC1 (ATP binding cassette subfamily C member 1 (ABCC1 blood group); plus strand). Cytogenetic location: 16p13.11.
Variant type: single nucleotide variant.
Coding change: c.1988+7C>T on transcript NM_004996.4 (MANE Select); 7 bases into the intron after coding-DNA position 1988, C replaced by T.
Molecular consequence: intron variant.
Genome position (GRCh38, 1-based): chr16:16,076,408, C>T. VCF-style: chr16-16076408-C-T. GRCh37 (hg19) VCF-style: chr16-16170265-C-T.
Identifiers: ClinVar variation 1701282 (VCV001701282.31), dbSNP rs368963584, ClinGen allele CA7924124.
Genomic context (GRCh38, chr16:16,076,408, plus strand): 5'-CGTGAGGAATGCCACATTCACCTGGGCCAGGAGCGACCCTCCCACACTGAATGGGTAAGC[C>T]GGGACGTGGACACACGTGATGGTGTGGAGAGAGCCACAGGGCTTTTGTTAAACGTGGATT-3'